The following is an entry in ClinVar:

ClinVar aggregate classification (germline): Likely pathogenic. Review status: criteria provided, multiple submitters, no conflicts (2 of 4 stars). 2 submissions from 2 submitters: Likely pathogenic (2). Last evaluated 2024-06-07.

Conditions:
Xeroderma pigmentosum (XP). Identifiers: Orphanet 910, MedGen C0043346, MONDO:0019600.
Trichothiodystrophy 1, photosensitive (TTD1). Also called: TAY SYNDROME; TRICHOTHIODYSTROPHY WITH CONGENITAL ICHTHYOSIS; PIBIDS SYNDROME. Identifiers: Orphanet 33364, MedGen C1866504, MONDO:0011125, OMIM 601675.
Cerebrooculofacioskeletal syndrome 2 (COFS2). Identifiers: MedGen C1853102, MONDO:0012553, OMIM 610756.
Xeroderma pigmentosum, group D (XPD). Also called: XERODERMA PIGMENTOSUM IV; XP, GROUP D; XP, GROUP H; XERODERMA PIGMENTOSUM, COMPLEMENTATION GROUP D; ERCC2-Related Xeroderma Pigmentosum. Identifiers: MedGen C0268138, MONDO:0010212, OMIM 278730.

Submissions (2):

Fulgent Genetics
Classification: Likely pathogenic for Xeroderma pigmentosum, group D; Trichothiodystrophy 1, photosensitive; Cerebrooculofacioskeletal syndrome 2. Last evaluated: 2024-06-07. Review status: criteria provided, single submitter. Criteria: ACMG Guidelines, 2015. Collection method: clinical testing. Allele origin: germline.

Women's Health and Genetics/Laboratory Corporation of America, LabCorp
Classification: Likely pathogenic for Xeroderma pigmentosum. Last evaluated: 2024-06-06. Review status: criteria provided, single submitter. Criteria: LabCorp Variant Classification Summary - May 2015. Collection method: clinical testing. Allele origin: germline.
Comment: Variant summary: ERCC2 c.1623C>G (p.Ser541Arg) results in a non-conservative amino acid change located in the ATP-dependent helicase, C-terminal (IPR006555) of the encoded protein sequence. Five of five in-silico tools predict a damaging effect of the variant on protein function. The variant was absent in 251456 control chromosomes. To our knowledge, no occurrence of c.1623C>G in individuals affected with Xeroderma Pigmentosum and no experimental evidence directly assessing its impact on protein function have been reported. However, a different variant resulting in the same amino acid consequence has been classified as pathogenic by our lab (c.1621A>C, p.Ser541Arg), supporting the pathogenicity of this variant. No submitters have cited clinical-significance assessments for this variant to ClinVar. Based on the evidence outlined above, the variant was classified as likely pathogenic.

NM_000400.4(ERCC2):c.1623C>G (p.Ser541Arg)

Gene: ERCC2 (ERCC excision repair 2, TFIIH core complex helicase subunit; minus strand). Cytogenetic location: 19q13.32.
Variant type: single nucleotide variant.
Coding change: c.1623C>G on transcript NM_000400.4 (MANE Select); coding-DNA position 1623, C replaced by G.
Protein change: p.Ser541Arg; replaces serine 541 with arginine.
Molecular consequence: missense variant.
Genome position (GRCh38, 1-based): chr19:45,354,772, G>C on the plus strand (C>G on the coding strand, the complement: ERCC2 is on the minus strand). VCF-style: chr19-45354772-G-C. GRCh37 (hg19) VCF-style: chr19-45858030-G-C.
Other names: short protein forms S541R.
Identifiers: ClinVar variation 3339731 (VCV003339731.2).